The following is an entry in ClinVar:

NM_058172.6(ANTXR2):c.331C>T (p.Arg111Cys)

Gene: ANTXR2 (ANTXR cell adhesion molecule 2; minus strand). Cytogenetic location: 4q21.21.
Variant type: single nucleotide variant.
Coding change: c.331C>T on transcript NM_058172.6 (MANE Select); coding-DNA position 331, C replaced by T.
Protein change: p.Arg111Cys; replaces arginine 111 with cysteine.
Molecular consequence: missense variant.
Genome position (GRCh38, 1-based): chr4:80,055,979, G>A on the plus strand (C>T on the coding strand, the complement: ANTXR2 is on the minus strand). VCF-style: chr4-80055979-G-A. GRCh37 (hg19) VCF-style: chr4-80977133-G-A.
Other names: c.331C>T, p.Arg111Cys (NM_001145794.2); c.100C>T, p.Arg34Cys (NM_001286780.2, NM_001286781.2); short protein forms R111C, R34C.
Identifiers: ClinVar variation 349883 (VCV000349883.14), dbSNP rs61741646, ClinGen allele CA2981981.

ClinVar aggregate classification (germline): Benign/Likely benign. Review status: criteria provided, multiple submitters, no conflicts (2 of 4 stars). 5 submissions from 5 submitters: Benign (2); Likely benign (3). Last evaluated 2026-01-28.

Conditions:
Hyaline fibromatosis syndrome (HFS). Also called: Hyalinosis, Inherited Systemic; HYALINOSIS, SYSTEMIC. Identifiers: Orphanet 2028, Orphanet 498474, MedGen C5574677, MONDO:0009229, OMIM 228600.

Allele frequency attached by ClinVar (database versions not stated): ExAC 0.00712; ESP Exome Variant Server 0.01005; gnomAD 0.01089 and 0.01167; 1000 Genomes Project 0.01238; TOPMed 0.01254; 1000 Genomes Project 30x 0.01390.
gnomAD v4.1: 3,085 of 1,569,198 alleles (0.2%); highest among the groups gnomAD compares: African/African-American, 3.6%; 53 homozygotes.

Submissions (5):

Labcorp Genetics (formerly Invitae), Labcorp
Classification: Benign. Last evaluated: 2026-01-28. Review status: criteria provided, single submitter. Criteria: Invitae Variant Classification Sherloc (09022015). Collection method: clinical testing. Allele origin: germline.

Fulgent Genetics
Classification: Likely benign for Hyaline fibromatosis syndrome. Last evaluated: 2022-04-05. Review status: criteria provided, single submitter. Criteria: ACMG Guidelines, 2015. Collection method: clinical testing. Allele origin: unknown.

GeneDx
Classification: Likely benign. Last evaluated: 2020-11-17. Review status: criteria provided, single submitter. Criteria: GeneDx Variant Classification Process June 2021. Collection method: clinical testing. Allele origin: germline. Affected: yes.

Illumina Laboratory Services, Illumina
Classification: Benign for Hyaline fibromatosis syndrome. Last evaluated: 2018-01-13. Review status: criteria provided, single submitter. Criteria: ICSL Variant Classification Criteria 13 December 2019. Collection method: clinical testing. Allele origin: germline.
Comment: This variant was observed in the ICSL laboratory as part of a predisposition screen in an ostensibly healthy population. It had not been previously curated by ICSL or reported in the Human Gene Mutation Database (HGMD: prior to June 1st, 2018), and was therefore a candidate for classification through an automated scoring system. Utilizing variant allele frequency, disease prevalence and penetrance estimates, and inheritance mode, an automated score was calculated to assess if this variant is too frequent to cause the disease. Based on the score and internal cut-off values, a variant classified as benign is not then subjected to further curation. The score for this variant resulted in a classification of benign for this disease.

Breakthrough Genomics
Classification: Likely benign. Review status: criteria provided, single submitter. Criteria: ACMG Guidelines, 2015. Collection method: not provided. Allele origin: germline. Inheritance: Autosomal recessive inheritance. Affected: yes.